The following is an entry in ClinVar:

ClinVar aggregate classification (germline): Pathogenic (1 of 4 stars; one submission).

Conditions:
Breast-ovarian cancer, familial, susceptibility to, 2 (BROVCA2). Also called: BRCA2 Hereditary Breast and Ovarian Cancer. Identifiers: Orphanet 145, MedGen C2675520, MONDO:0012933, OMIM 612555. Disease mechanism: loss of function.

Submission:

Myriad Genetics, Inc.
Classification: Pathogenic for Breast-ovarian cancer, familial, susceptibility to, 2. Last evaluated: 2023-12-28. Review status: criteria provided, single submitter. Criteria: Myriad Autosomal Dominant, Autosomal Recessive and X-Linked Classification Criteria (2023). Collection method: clinical testing. Allele origin: unknown.
Comment: This variant is considered pathogenic. This variant creates a frameshift predicted to result in premature protein truncation.

NM_000059.4(BRCA2):c.1571dup (p.Met524fs)

Gene: BRCA2 (BRCA2 DNA repair associated; plus strand). Cytogenetic location: 13q13.1.
Variant type: Duplication.
Coding change: c.1571dup on transcript NM_000059.4 (MANE Select); coding-DNA position 1571, one base duplicated (T; older notation c.1571dupT).
Protein change: p.Met524fs; shifts the reading frame from methionine 524.
Molecular consequence: frameshift variant. On other transcripts: non-coding transcript variant (1), intron variant (1).
Genome position (GRCh38, 1-based): chr13:32,333,049, T duplicated. VCF-style (leftmost placement, unchanged base first): chr13-32333048-A-AT. GRCh37 (hg19) VCF-style: chr13-32907185-A-AT.
Other names: c.1571dup, p.Met524fs (NM_001406719.1, NM_001406720.1, NM_001406721.1); c.424+2019dup (NM_001406722.1); short protein forms M524fs.
Identifiers: ClinVar variation 3148664 (VCV003148664.1), dbSNP rs2548520542, ClinGen allele CA2825002122.